The following is an entry in ClinVar:

ClinVar aggregate classification (germline): Uncertain significance (1 of 4 stars; one submission).

Conditions:
Inborn genetic diseases. Identifiers: MedGen C0950123, MeSH D030342.

Allele frequency attached by ClinVar (database versions not stated): ExAC 0.00001; gnomAD exomes 0.00001.
gnomAD v4.1: 4 of 1,205,560 alleles (0.00033%); highest among the groups gnomAD compares: Admixed American, 0.0088%; no homozygotes.

Submission:

Ambry Genetics
Classification: Uncertain significance for Inborn genetic diseases. Last evaluated: 2020-05-29. Review status: criteria provided, single submitter. Criteria: Ambry Variant Classification Scheme 2023. Collection method: clinical testing. Allele origin: germline.
Comment: The p.A159V variant (also known as c.476C>T), located in coding exon 4 of the ZC4H2 gene, results from a C to T substitution at nucleotide position 476. The alanine at codon 159 is replaced by valine, an amino acid with similar properties. Based on data from gnomAD, the T allele has an overall frequency of 0.002% (4/174974) of total alleles studied. The highest observed frequency was 0.015% (4/26367) of Latino alleles, including one hemizygote. This amino acid position is highly conserved in available vertebrate species. In addition, the in silico prediction for this alteration is inconclusive. Since supporting evidence is limited at this time, the clinical significance of this alteration remains unclear.

NM_018684.4(ZC4H2):c.476C>T (p.Ala159Val)

Gene: ZC4H2 (zinc finger C4H2-type containing; minus strand). Cytogenetic location: Xq11.2.
Variant type: single nucleotide variant.
Coding change: c.476C>T on transcript NM_018684.4 (MANE Select); coding-DNA position 476, C replaced by T.
Protein change: p.Ala159Val; replaces alanine 159 with valine.
Molecular consequence: missense variant. On other transcripts: non-coding transcript variant (1), intron variant (1).
Genome position (GRCh38, 1-based): chrX:64,919,127, G>A on the plus strand (C>T on the coding strand, the complement: ZC4H2 is on the minus strand). VCF-style: chrX-64919127-G-A. GRCh37 (hg19) VCF-style: chrX-64139007-G-A.
Other names: c.407C>T, p.Ala136Val (NM_001178032.3, NM_001243804.2); c.398+954C>T (NM_001178033.3); short protein forms A136V, A159V.
Identifiers: ClinVar variation 1742947 (VCV001742947.2), dbSNP rs750869999, ClinGen allele CA10433404.